The following is an entry in ClinVar:

ClinVar aggregate classification (germline): Pathogenic (1 of 4 stars; one submission).

Conditions:
Marfan syndrome (MFS). Also called: MARFAN SYNDROME, TYPE I; Marfan syndrome type 1; Marfan's syndrome; Marfan syndrome, classic; FBN1-Related Marfan Syndrome. Identifiers: Orphanet 284963, Orphanet 558, MedGen C0024796, MONDO:0007947, OMIM 154700.
Familial thoracic aortic aneurysm and aortic dissection (TAAD). Also called: Thoracic aortic aneurysms and dissections. Identifiers: Orphanet 91387, MedGen C4707243, MONDO:0019625.

Submission:

Labcorp Genetics (formerly Invitae), Labcorp
Classification: Pathogenic for Marfan syndrome; Familial thoracic aortic aneurysm and aortic dissection. Last evaluated: 2025-01-27. Review status: criteria provided, single submitter. Criteria: Invitae Variant Classification Sherloc (09022015). Collection method: clinical testing. Allele origin: germline.
Comment: This sequence change replaces cysteine, which is neutral and slightly polar, with phenylalanine, which is neutral and non-polar, at codon 150 of the FBN1 protein (p.Cys150Phe). This variant is not present in population databases (gnomAD no frequency). This missense change has been observed in individual(s) with clinical features of Marfan syndrome (internal data). ClinVar contains an entry for this variant (Variation ID: 2954458). Invitae Evidence Modeling of protein sequence and biophysical properties (such as structural, functional, and spatial information, amino acid conservation, physicochemical variation, residue mobility, and thermodynamic stability) indicates that this missense variant is expected to disrupt FBN1 protein function with a positive predictive value of 95%. This variant affects a cysteine residue in the EGF-like, TGFBP or hybrid motif domains of FBN1. Cysteine residues are believed to be involved in intramolecular disulfide bridges and have been shown to be important for FBN1 protein structure (PMID: 16905551, 19349279). In addition, missense substitutions affecting cysteine residues within these domains are significantly overrepresented among patients with Marfan syndrome (PMID: 16571647, 17701892). This variant disrupts the p.Cys150 amino acid residue in FBN1. Other variant(s) that disrupt this residue have been observed in individuals with FBN1-related conditions (PMID: 34550612, 34818515; internal data), which suggests that this may be a clinically significant amino acid residue. For these reasons, this variant has been classified as Pathogenic.

Literature cited by the submitters: PubMed 16905551; PubMed 19349279; PubMed 16571647; PubMed 17701892; PubMed 34550612; PubMed 34818515.

NM_000138.5(FBN1):c.449G>T (p.Cys150Phe)

Gene: FBN1 (fibrillin 1; minus strand). Cytogenetic location: 15q21.1.
Variant type: single nucleotide variant.
Coding change: c.449G>T on transcript NM_000138.5 (MANE Select); coding-DNA position 449, G replaced by T.
Protein change: p.Cys150Phe; replaces cysteine 150 with phenylalanine.
Molecular consequence: missense variant.
Genome position (GRCh38, 1-based): chr15:48,596,372, C>A on the plus strand (G>T on the coding strand, the complement: FBN1 is on the minus strand). VCF-style: chr15-48596372-C-A. GRCh37 (hg19) VCF-style: chr15-48888569-C-A.
Other names: c.449G>T, p.Cys150Phe (NM_001406716.1, NM_001406717.1); short protein forms C150F.
Identifiers: ClinVar variation 2954458 (VCV002954458.3), dbSNP rs2140711857, ClinGen allele CA392446406.